The following is an entry in ClinVar:

ClinVar aggregate classification (germline): Uncertain significance. Review status: criteria provided, multiple submitters, no conflicts (2 of 4 stars). 2 submissions from 2 submitters: Uncertain significance (2). Last evaluated 2024-02-25.

Conditions:
Inborn genetic diseases. Identifiers: MedGen C0950123, MeSH D030342.

Allele frequency attached by ClinVar (database versions not stated): ExAC 0.00001; gnomAD 0.00005; TOPMed 0.00006; 1000 Genomes Project 0.00020; 1000 Genomes Project 30x 0.00031.
gnomAD v4.1: 13 of 1,614,220 alleles (0.00081%); highest among the groups gnomAD compares: African/African-American, 0.016%; no homozygotes.

Submissions (2):

Labcorp Genetics (formerly Invitae), Labcorp
Classification: Uncertain significance. Last evaluated: 2024-02-25. Review status: criteria provided, single submitter. Criteria: Invitae Variant Classification Sherloc (09022015). Collection method: clinical testing. Allele origin: germline.
Comment: This sequence change replaces glutamic acid, which is acidic and polar, with lysine, which is basic and polar, at codon 789 of the ADAMTS17 protein (p.Glu789Lys). This variant is present in population databases (rs564198367, gnomAD 0.02%). This variant has not been reported in the literature in individuals affected with ADAMTS17-related conditions. ClinVar contains an entry for this variant (Variation ID: 2527487). An algorithm developed to predict the effect of missense changes on protein structure and function (PolyPhen-2) suggests that this variant is likely to be disruptive. In summary, the available evidence is currently insufficient to determine the role of this variant in disease. Therefore, it has been classified as a Variant of Uncertain Significance.

Ambry Genetics
Classification: Uncertain significance for Inborn genetic diseases. Last evaluated: 2023-03-21. Review status: criteria provided, single submitter. Criteria: Ambry Variant Classification Scheme 2023. Collection method: clinical testing. Allele origin: germline.

NM_139057.4(ADAMTS17):c.2365G>A (p.Glu789Lys)

Gene: ADAMTS17 (ADAM metallopeptidase with thrombospondin type 1 motif 17; minus strand). Cytogenetic location: 15q26.3.
Variant type: single nucleotide variant.
Coding change: c.2365G>A on transcript NM_139057.4 (MANE Select); coding-DNA position 2365, G replaced by A.
Protein change: p.Glu789Lys; replaces glutamic acid 789 with lysine.
Molecular consequence: missense variant.
Genome position (GRCh38, 1-based): chr15:100,051,662, C>T on the plus strand (G>A on the coding strand, the complement: ADAMTS17 is on the minus strand). VCF-style: chr15-100051662-C-T. GRCh37 (hg19) VCF-style: chr15-100591867-C-T.
Other names: short protein forms E789K.
Identifiers: ClinVar variation 2527487 (VCV002527487.3), dbSNP rs564198367, ClinGen allele CA7757761.